The following is an entry in ClinVar:

NM_024753.5(TTC21B):c.1320del (p.Phe440fs)

Gene: TTC21B (tetratricopeptide repeat domain 21B; minus strand). Cytogenetic location: 2q24.3.
Variant type: Deletion.
Coding change: c.1320del on transcript NM_024753.5 (MANE Select); coding-DNA position 1320, one base deleted (T; older notation c.1320delT).
Protein change: p.Phe440fs; shifts the reading frame from phenylalanine 440.
Molecular consequence: frameshift variant.
Genome position (GRCh38, 1-based): chr2:165,929,201, A deleted on the plus strand (T on the coding strand, the reverse complement: TTC21B is on the minus strand); the first of 4 consecutive A bases (chr2:165,929,201-165,929,204); deleting any one gives the same sequence. VCF-style (leftmost placement, unchanged base first): chr2-165929200-CA-C. GRCh37 (hg19) VCF-style: chr2-166785710-CA-C.
Other names: short protein forms F440fs.
Identifiers: ClinVar variation 446650 (VCV000446650.13), dbSNP rs775836730, ClinGen allele CA1942178.
Genomic context (GRCh38, chr2:165,929,200, plus strand): 5'-TTGGACAGAAGCTCAGATACTCCATAACAATTTCTAACAAGAAATCAGGATTTAGCTTTT[CA>C]AAATACTGTATGCCAAGAGGCAAACCTTCTAATTGTGAAAAGTGAGTGTCCAGGACATCA-3'

ClinVar aggregate classification (germline): Pathogenic. Review status: criteria provided, multiple submitters, no conflicts (2 of 4 stars). 7 submissions from 7 submitters: Pathogenic (5). 2 of the submissions do not count toward it. Last evaluated 2026-04-27.

Conditions:
TTC21B-related disorder. Also called: TTC21B-related condition; TTC21B-related disorders.
Type IV short rib polydactyly syndrome (SRTD12). Also called: SHORT RIB SYNDROME, BEEMER TYPE; SRPS IV; Short rib-polydactyly syndrome type 4; SRPS type 4; Short rib-polydactyly syndrome Beemer type; Beemer-Langer syndrome. Identifiers: Orphanet 93268, MedGen C0432198, MONDO:0010024, OMIM 269860.
Nephronophthisis. Also called: Juvenile Nephronophthisis. Identifiers: Orphanet 655, MedGen C0687120, MONDO:0019005, HP:0000090.
Jeune thoracic dystrophy. Also called: Short-rib thoracic dysplasia; Jeune syndrome; Infantile thoracic dystrophy; Thoracic pelvic phalangeal dystrophy; Jeune's syndrome; Chondroectodermal dysplasia-like syndrome. Identifiers: Orphanet 474, MedGen C0265275, MONDO:0018770.
Nephronophthisis 12 (NPHP12). Identifiers: Orphanet 655, MedGen C3151186, MONDO:0013442, OMIM 613820.
Asphyxiating thoracic dystrophy 4 (SRTD4). Also called: SHORT-RIB THORACIC DYSPLASIA 4 WITH OR WITHOUT POLYDACTYLY; SHORT-RIB THORACIC DYSPLASIA 4. Identifiers: Orphanet 474, MedGen C3151185, MONDO:0013441, OMIM 613819.

Submissions (7):

PreventionGenetics, part of Exact Sciences
Classification: Pathogenic for TTC21B-related condition. Last evaluated: 2026-04-27. Review status: criteria provided, single submitter. Criteria: ACMG Guidelines, 2015. Collection method: clinical testing. Allele origin: germline.
Comment: The TTC21B c.1320delT variant is predicted to result in a frameshift and premature protein termination (p.Phe440Leufs*4). This variant has been reported along with a second variant in TTC21B in two individuals with features consistent with TTC21B-related disorders (Table S2, Zhang et al. 2018. PubMed ID: 29068549; Meyer et al. 2022. PubMed ID: 35112343). This variant is reported in 0.0086% of alleles in individuals of European (Non-Finnish) descent in gnomAD. Frameshift variants in TTC21B are expected to be pathogenic. This variant is interpreted as pathogenic.

Labcorp Genetics (formerly Invitae), Labcorp
Classification: Pathogenic for Jeune thoracic dystrophy; Nephronophthisis. Last evaluated: 2024-11-18. Review status: criteria provided, single submitter. Criteria: Invitae Variant Classification Sherloc (09022015). Collection method: clinical testing. Allele origin: germline.
Comment: This sequence change creates a premature translational stop signal (p.Phe440Leufs*4) in the TTC21B gene. It is expected to result in an absent or disrupted protein product. Loss-of-function variants in TTC21B are known to be pathogenic (PMID: 18327258, 21068128, 21258341, 23559409, 24876116, 25492405, 27491411, 29068549). This variant is present in population databases (rs775836730, gnomAD 0.009%). This premature translational stop signal has been observed in individual(s) with short-rib polydactyly syndrome type IV (PMID: 29068549). ClinVar contains an entry for this variant (Variation ID: 446650). For these reasons, this variant has been classified as Pathogenic.

Victorian Clinical Genetics Services, Murdoch Childrens Research Institute
Classification: Pathogenic for Asphyxiating thoracic dystrophy 4. Last evaluated: 2024-10-09. Review status: criteria provided, single submitter. Criteria: ACMG Guidelines, 2015. Collection method: clinical testing. Allele origin: germline. Inheritance: Autosomal recessive inheritance. Affected: yes.
Comment: Based on the classification scheme VCGS_Germline_v1.3.4, this variant is classified as Pathogenic. Following criteria are met: 0102 - Loss of function is a known mechanism of disease in this gene and is associated with nephronophthisis 12 (MIM#613820), short-rib thoracic dysplasia 4 with or without polydactyly (MIM#613819) and familial focal segmental glomerulosclerosis (FSGS). Partial loss of function has also been described, and associated with hypomorphic variants in this gene (OMIM, PMID: 24876116, 21258341). (I) 0106 - This gene is associated with autosomal recessive disease. (I) 0201 - Variant is predicted to cause nonsense-mediated decay (NMD) and loss of protein (premature termination codon is located at least 54 nucleotides upstream of the final exon-exon junction). (SP) 0251 - This variant is heterozygous. (I) 0304 - Variant is present in gnomAD (v2) <0.01 for a recessive condition (11 heterozygotes, 0 homozygotes). (SP) 0701 - Many other NMD-predicted variants comparable to the one identified in this case have very strong previous evidence for pathogenicity (DECIPHER). (SP) 0802 - This variant has moderate previous evidence of pathogenicity in unrelated individuals. This variant has been classified as pathogenic or likely pathogenic by multiple clinical laboratories in ClinVar. This variant has also been identified in a compound heterozygote neonate with short-rib polydactyl syndrome type IV (PMID: 29068549). (I) Legend: (SP) - Supporting pathogenic, (I) - Information, (SB) - Supporting benign

Fulgent Genetics
Classification: Pathogenic for Asphyxiating thoracic dystrophy 4; Nephronophthisis 12. Last evaluated: 2024-04-01. Review status: criteria provided, single submitter. Criteria: ACMG Guidelines, 2015. Collection method: clinical testing. Allele origin: germline.

Blueprint Genetics
Classification: Pathogenic for TTC21B-related disorders. Last evaluated: 2022-04-15. Review status: criteria provided, single submitter. Criteria: ACMG Guidelines, 2015. Collection method: clinical testing. Allele origin: germline. Affected: yes. Observed: 5 variant alleles.

Dan Cohn Lab, University Of California Los Angeles
Classification: Pathogenic for Type IV short rib polydactyly syndrome. Last evaluated: 2017-06-01. Review status: no assertion criteria provided. Collection method: research. Allele origin: unknown. Affected: yes. Not counted in ClinVar's aggregate classification.

University of Washington Center for Mendelian Genomics, University of Washington
Classification: Likely pathogenic for short-rib polydactyly syndrome type IV. Review status: no assertion criteria provided. Collection method: research. Allele origin: inherited. Affected: yes. Not counted in ClinVar's aggregate classification.

Literature cited by the submitters: PubMed 18327258 (cited by Labcorp Genetics (formerly Invitae), Labcorp); PubMed 21068128 (cited by Labcorp Genetics (formerly Invitae), Labcorp); PubMed 21258341 (cited by Labcorp Genetics (formerly Invitae), Labcorp and Victorian Clinical Genetics Services, Murdoch Childrens Research Institute); PubMed 23559409 (cited by Labcorp Genetics (formerly Invitae), Labcorp); PubMed 24876116 (cited by Labcorp Genetics (formerly Invitae), Labcorp and Victorian Clinical Genetics Services, Murdoch Childrens Research Institute); PubMed 25492405 (cited by Labcorp Genetics (formerly Invitae), Labcorp); PubMed 27491411 (cited by Labcorp Genetics (formerly Invitae), Labcorp); PubMed 29068549 (cited by 4 submitters).